The following is an entry in ClinVar:

NM_005591.4(MRE11):c.267C>G (p.Val89=)

Gene: MRE11 (MRE11 double strand break repair nuclease; minus strand). Cytogenetic location: 11q21.
Variant type: single nucleotide variant.
Coding change: c.267C>G on transcript NM_005591.4 (MANE Select); coding-DNA position 267, C replaced by G.
Protein change: p.Val89=; no amino-acid change (valine 89 retained).
Molecular consequence: synonymous variant.
Genome position (GRCh38, 1-based): chr11:94,485,971, G>C on the plus strand (C>G on the coding strand, the complement: MRE11 is on the minus strand). VCF-style: chr11-94485971-G-C. GRCh37 (hg19) VCF-style: chr11-94219137-G-C.
Other names: c.267C>G, p.Val89= (NM_001330347.2, NM_005590.4).
Identifiers: ClinVar variation 230410 (VCV000230410.18), dbSNP rs759547024, ClinGen allele CA6235431.
Genomic context (GRCh38, chr11:94,485,971, plus strand): 5'-TAAATATACTTACTTACTAAAACCAAAGTTGACTGACTGATCACTGAGAATTTCAAACTG[G>C]ACAGGCCGATCACCCATACAATATTTTCTTAATAACTCGAGGCAGGTATGTAATGTTTTC-3'
Protein context (NP_005582.1, residues 79-99): LRKYCMGDRP[Val89=]QFEILSDQSV

ClinVar aggregate classification (germline): Likely benign. Review status: criteria provided, multiple submitters, no conflicts (2 of 4 stars). 3 submissions from 3 submitters: Likely benign (2). 1 of the submissions does not count toward it. Last evaluated 2025-03-17.

Conditions:
MRE11-related disorder. Also called: MRE11-related condition.
Hereditary cancer-predisposing syndrome. Also called: Neoplastic Syndromes, Hereditary; Tumor predisposition; Hereditary Cancer Syndrome; Hereditary neoplastic syndrome. Identifiers: Orphanet 140162, MedGen C0027672, MeSH D009386, MONDO:0015356.
Ataxia-telangiectasia-like disorder (ATLD). Identifiers: MedGen C1858391, MONDO:0011457.

Allele frequency attached by ClinVar (database versions not stated): ExAC 0.00001; gnomAD 0.00001; TOPMed 0.00001; gnomAD exomes 0.00003.

Submissions (3):

Labcorp Genetics (formerly Invitae), Labcorp
Classification: Likely benign for Ataxia-telangiectasia-like disorder. Last evaluated: 2025-03-17. Review status: criteria provided, single submitter. Criteria: Invitae Variant Classification Sherloc (09022015). Collection method: clinical testing. Allele origin: germline.

Ambry Genetics
Classification: Likely benign for Hereditary cancer-predisposing syndrome. Last evaluated: 2015-02-02. Review status: criteria provided, single submitter. Criteria: Ambry Variant Classification Scheme 2023. Collection method: clinical testing. Allele origin: germline.

PreventionGenetics, part of Exact Sciences
Classification: Likely benign for MRE11-related condition. Last evaluated: 2022-04-27. Review status: no assertion criteria provided. Collection method: clinical testing. Allele origin: germline. Not counted in ClinVar's aggregate classification.
Comment: This variant is classified as likely benign based on ACMG/AMP sequence variant interpretation guidelines (Richards et al. 2015 PMID: 25741868, with internal and published modifications).